The following is an entry in ClinVar:

ClinVar aggregate classification (germline): Uncertain significance (1 of 4 stars; one submission).

Allele frequency attached by ClinVar (database versions not stated): gnomAD exomes below 0.00001; ExAC 0.00001.
gnomAD v4.1: 2 of 1,609,038 alleles (0.00012%); highest among the groups gnomAD compares: South Asian, 0.0022%; no homozygotes.

Submission:

Labcorp Genetics (formerly Invitae), Labcorp
Classification: Uncertain significance. Last evaluated: 2023-04-10. Review status: criteria provided, single submitter. Criteria: Invitae Variant Classification Sherloc (09022015). Collection method: clinical testing. Allele origin: germline.
Comment: In summary, the available evidence is currently insufficient to determine the role of this variant in disease. Therefore, it has been classified as a Variant of Uncertain Significance. Algorithms developed to predict the effect of missense changes on protein structure and function output the following: SIFT: "Not Available"; PolyPhen-2: "Benign"; Align-GVGD: "Not Available". The serine amino acid residue is found in multiple mammalian species, which suggests that this missense change does not adversely affect protein function. This variant has not been reported in the literature in individuals affected with SI-related conditions. This variant is present in population databases (rs763883529, gnomAD 0.003%). This sequence change replaces asparagine, which is neutral and polar, with serine, which is neutral and polar, at codon 580 of the SI protein (p.Asn580Ser).

NM_001041.4(SI):c.1739A>G (p.Asn580Ser)

Gene: SI (sucrase-isomaltase; minus strand). Cytogenetic location: 3q26.1.
Variant type: single nucleotide variant.
Coding change: c.1739A>G on transcript NM_001041.4 (MANE Select); coding-DNA position 1739, A replaced by G.
Protein change: p.Asn580Ser; replaces asparagine 580 with serine.
Molecular consequence: missense variant.
Genome position (GRCh38, 1-based): chr3:165,046,989, T>C on the plus strand (A>G on the coding strand, the complement: SI is on the minus strand). VCF-style: chr3-165046989-T-C. GRCh37 (hg19) VCF-style: chr3-164764777-T-C.
Other names: short protein forms N580S.
Identifiers: ClinVar variation 2854877 (VCV002854877.3), dbSNP rs763883529, ClinGen allele CA2690953.